The following is an entry in ClinVar:

NM_015057.5(MYCBP2):c.4388G>T (p.Gly1463Val)

Gene: MYCBP2 (MYC binding protein 2; minus strand). Cytogenetic location: 13q22.3.
Variant type: single nucleotide variant.
Coding change: c.4388G>T on transcript NM_015057.5 (MANE Select); coding-DNA position 4388, G replaced by T.
Protein change: p.Gly1463Val; replaces glycine 1463 with valine.
Molecular consequence: missense variant.
Genome position (GRCh38, 1-based): chr13:77,185,927, C>A on the plus strand (G>T on the coding strand, the complement: MYCBP2 is on the minus strand). VCF-style: chr13-77185927-C-A. GRCh37 (hg19) VCF-style: chr13-77760062-C-A.
Other names: short protein forms G1463V.
Identifiers: ClinVar variation 3154765 (VCV003154765.1), dbSNP rs965800499, ClinGen allele CA252188477.

ClinVar aggregate classification (germline): Uncertain significance (1 of 4 stars; one submission).

Conditions:
Inborn genetic diseases. Identifiers: MedGen C0950123, MeSH D030342.

Allele frequency attached by ClinVar (database versions not stated): TOPMed 0.00001.

Submission:

Ambry Genetics
Classification: Uncertain significance for Inborn genetic diseases. Last evaluated: 2023-12-04. Review status: criteria provided, single submitter. Criteria: Ambry Variant Classification Scheme 2023. Collection method: clinical testing. Allele origin: germline.
Comment: The c.4388G>T (p.G1463V) alteration is located in exon 31 (coding exon 31) of the MYCBP2 gene. This alteration results from a G to T substitution at nucleotide position 4388, causing the glycine (G) at amino acid position 1463 to be replaced by a valine (V). This variant was not reported in population-based cohorts in the Genome Aggregation Database (gnomAD). This amino acid position is highly conserved in available vertebrate species. The in silico prediction for this alteration is inconclusive. Based on insufficient or conflicting evidence, the clinical significance of this alteration remains unclear.